The following is an entry in ClinVar:

ClinVar aggregate classification (germline): Likely benign. Review status: criteria provided, multiple submitters, no conflicts (2 of 4 stars). 3 submissions from 3 submitters: Likely benign (3). Last evaluated 2025-08-30.

Conditions:
Hypertrophic cardiomyopathy. Also called: HYPERTROPHIC MYOCARDIOPATHY. Identifiers: Orphanet 217569, MedGen C0007194, MeSH D002312, MONDO:0005045, HP:0001639.
Lethal congenital glycogen storage disease of heart. Also called: GLYCOGEN STORAGE DISEASE OF HEART; PHOSPHORYLASE KINASE DEFICIENCY OF HEART. Identifiers: Orphanet 439854, MedGen C1849813, MONDO:0009867, OMIM 261740.
Cardiomyopathy (CMYO). Also called: Cardiomyopathies. Identifiers: Orphanet 167848, MedGen C0878544, MONDO:0004994, HP:0001638. Inheritance: Various modes of inheritance.

Allele frequency attached by ClinVar (database versions not stated): gnomAD exomes 0.00002 and 0.00001; gnomAD 0.00009; TOPMed 0.00014; ExAC 0.00002.
gnomAD v4.1: 25 of 1,613,844 alleles (0.0015%); highest among the groups gnomAD compares: Admixed American, 0.027%; no homozygotes.

Submissions (3):

Labcorp Genetics (formerly Invitae), Labcorp
Classification: Likely benign for Lethal congenital glycogen storage disease of heart. Last evaluated: 2025-08-30. Review status: criteria provided, single submitter. Criteria: Invitae Variant Classification Sherloc (09022015). Collection method: clinical testing. Allele origin: germline.

All of Us Research Program, National Institutes of Health
Classification: Likely benign for Hypertrophic cardiomyopathy. Last evaluated: 2023-12-18. Review status: criteria provided, single submitter. Criteria: ACMG Guidelines, 2015. Collection method: clinical testing. Allele origin: germline. Inheritance: Autosomal dominant inheritance. Observed: 4 variant alleles, 4 heterozygotes.
Comment: This study involves interpretation of variants in research participants for the purpose of population health screening. Participant phenotype was not available at the time of variant classification. Additional details can be found in publication PMID: 35346344, PMCID: PMC8962531

Color Diagnostics, LLC DBA Color Health
Classification: Likely benign for Cardiomyopathy. Last evaluated: 2018-11-21. Review status: criteria provided, single submitter. Criteria: ACMG Guidelines, 2015. Collection method: clinical testing. Allele origin: germline.

NM_016203.4(PRKAG2):c.819C>T (p.Ile273=)

Gene: PRKAG2 (protein kinase AMP-activated non-catalytic subunit gamma 2; minus strand). Cytogenetic location: 7q36.1.
Variant type: single nucleotide variant.
Coding change: c.819C>T on transcript NM_016203.4 (MANE Select); coding-DNA position 819, C replaced by T.
Protein change: p.Ile273=; no amino-acid change (isoleucine 273 retained).
Molecular consequence: synonymous variant.
Genome position (GRCh38, 1-based): chr7:151,595,390, G>A on the plus strand (C>T on the coding strand, the complement: PRKAG2 is on the minus strand). VCF-style: chr7-151595390-G-A. GRCh37 (hg19) VCF-style: chr7-151292476-G-A.
Other names: c.687C>T, p.Ile229= (NM_001040633.2); c.444C>T, p.Ile148= (NM_001304527.2); c.96C>T, p.Ile32= (NM_001304531.2, NM_024429.2); c.447C>T, p.Ile149= (NM_001363698.2).
Identifiers: ClinVar variation 926858 (VCV000926858.10), dbSNP rs764244463, ClinGen allele CA058474.